The following is an entry in ClinVar:

NM_015466.4(PTPN23):c.4621C>T (p.Pro1541Ser)

Gene: PTPN23 (protein tyrosine phosphatase non-receptor type 23; plus strand). Cytogenetic location: 3p21.31.
Variant type: single nucleotide variant.
Coding change: c.4621C>T on transcript NM_015466.4 (MANE Select); coding-DNA position 4621, C replaced by T.
Protein change: p.Pro1541Ser; replaces proline 1541 with serine.
Molecular consequence: missense variant.
Genome position (GRCh38, 1-based): chr3:47,412,895, C>T. VCF-style: chr3-47412895-C-T. GRCh37 (hg19) VCF-style: chr3-47454385-C-T.
Other names: c.4243C>T, p.Pro1415Ser (NM_001304482.2); short protein forms P1415S, P1541S.
Identifiers: ClinVar variation 1945804 (VCV001945804.4), dbSNP rs2546261031, ClinGen allele CA352568107.
Genomic context (GRCh38, chr3:47,412,895, plus strand): 5'-CCAGGCCCTGCAGAGCCCCCAGGCCTCCCGCCAGCCAGCCTCCCAGAGTCTACCCCAATC[C>T]CATCTTCCTCCCCGCCCCCCCTTTCCTCCCCACTACCTGAGGCTCCCCAGCCTAAGGAGG-3'
Protein context (NP_056281.1, residues 1531-1551): PASLPESTPI[Pro1541Ser]SSSPPPLSSP

ClinVar aggregate classification (germline): Uncertain significance (1 of 4 stars; one submission).

Submission:

Labcorp Genetics (formerly Invitae), Labcorp
Classification: Uncertain significance. Last evaluated: 2022-03-12. Review status: criteria provided, single submitter. Criteria: Invitae Variant Classification Sherloc (09022015). Collection method: clinical testing. Allele origin: germline.
Comment: In summary, the available evidence is currently insufficient to determine the role of this variant in disease. Therefore, it has been classified as a Variant of Uncertain Significance. This sequence change replaces proline, which is neutral and non-polar, with serine, which is neutral and polar, at codon 1541 of the PTPN23 protein (p.Pro1541Ser). This variant is not present in population databases (gnomAD no frequency). This variant has not been reported in the literature in individuals affected with PTPN23-related conditions. Algorithms developed to predict the effect of missense changes on protein structure and function are either unavailable or do not agree on the potential impact of this missense change (SIFT: "Tolerated"; PolyPhen-2: "Not Available"; Align-GVGD: "Class C0").